The following is an entry in ClinVar:

ClinVar aggregate classification (germline): Pathogenic (1 of 4 stars; one submission).

Submission:

Labcorp Genetics (formerly Invitae), Labcorp
Classification: Pathogenic. Last evaluated: 2020-07-13. Review status: criteria provided, single submitter. Criteria: Invitae Variant Classification Sherloc (09022015). Collection method: clinical testing. Allele origin: germline.
Comment: For these reasons, this variant has been classified as Pathogenic. Loss-of-function variants in COL4A3 are known to be pathogenic (PMID: 8956999, 24854265). This variant has not been reported in the literature in individuals with COL4A3-related conditions. This variant is not present in population databases (ExAC no frequency). This sequence change creates a premature translational stop signal (p.Pro1568Leufs*47) in the COL4A3 gene. It is expected to result in an absent or disrupted protein product.

Literature cited by the submitters: PubMed 8956999; PubMed 24854265.

NM_000091.5(COL4A3):c.4701del (p.Pro1568fs)

Genes: COL4A3 (collagen type IV alpha 3 chain; plus strand), MFF-DT (MFF divergent transcript; minus strand). Cytogenetic location: 2q36.3.
Variant type: Deletion.
Coding change: c.4701del on transcript NM_000091.5 (MANE Select); coding-DNA position 4701, one base deleted (T; older notation c.4701delT).
Protein change: p.Pro1568fs; shifts the reading frame from proline 1568.
Molecular consequence: frameshift variant.
Genome position (GRCh38, 1-based): chr2:227,309,264, T deleted; the last of 2 consecutive T bases (chr2:227,309,263-227,309,264); deleting either gives the same sequence. VCF-style (leftmost placement, unchanged base first): chr2-227309262-AT-A. GRCh37 (hg19) VCF-style: chr2-228173978-AT-A.
Other names: short protein forms P1568fs.
Identifiers: ClinVar variation 1071819 (VCV001071819.7), dbSNP rs2106289464, ClinGen allele CA2499215754.